The following is an entry in ClinVar:

ClinVar aggregate classification (germline): Uncertain significance. Review status: criteria provided, multiple submitters, no conflicts (2 of 4 stars). 4 submissions from 4 submitters: Uncertain significance (3). 1 of the submissions does not count toward it. Last evaluated 2025-09-22.

Conditions:
Propionic acidemia (PROP). Also called: GLYCINEMIA, KETOTIC; HYPERGLYCINEMIA WITH KETOACIDOSIS AND LEUKOPENIA; KETOTIC HYPERGLYCINEMIA. Identifiers: Orphanet 35, MedGen C0268579, MONDO:0011628, OMIM 606054, HP:0003571.

Allele frequency attached by ClinVar (database versions not stated): gnomAD 0.00001 and 0.00002; TOPMed 0.00002.
gnomAD v4.1: 14 of 1,522,770 alleles (0.00092%); highest among the groups gnomAD compares: Admixed American, 0.028%; no homozygotes.

Submissions (4):

GeneDx
Classification: Uncertain significance. Last evaluated: 2025-09-22. Review status: criteria provided, single submitter. Criteria: GeneDx Variant Classification Process June 2021. Collection method: clinical testing. Allele origin: germline.
Comment: In silico analysis supports that this missense variant has a deleterious effect on protein structure/function; Has not been previously published as pathogenic or benign to our knowledge

Women's Health and Genetics/Laboratory Corporation of America, LabCorp
Classification: Uncertain significance. Last evaluated: 2025-01-29. Review status: criteria provided, single submitter. Criteria: LabCorp Variant Classification Summary - May 2015. Collection method: clinical testing. Allele origin: germline.

Labcorp Genetics (formerly Invitae), Labcorp
Classification: Uncertain significance for Propionic acidemia. Last evaluated: 2022-07-18. Review status: criteria provided, single submitter. Criteria: Invitae Variant Classification Sherloc (09022015). Collection method: clinical testing. Allele origin: germline.
Comment: This sequence change replaces glycine, which is neutral and non-polar, with serine, which is neutral and polar, at codon 631 of the PCCA protein (p.Gly631Ser). This variant is present in population databases (no rsID available, gnomAD 0.04%). This variant has not been reported in the literature in individuals affected with PCCA-related conditions. ClinVar contains an entry for this variant (Variation ID: 989599). Advanced modeling of protein sequence and biophysical properties (such as structural, functional, and spatial information, amino acid conservation, physicochemical variation, residue mobility, and thermodynamic stability) performed at Invitae indicates that this missense variant is expected to disrupt PCCA protein function. In summary, the available evidence is currently insufficient to determine the role of this variant in disease. Therefore, it has been classified as a Variant of Uncertain Significance.

Natera, Inc.
Classification: Uncertain significance for Propionic acidemia. Last evaluated: 2020-04-17. Review status: no assertion criteria provided. Collection method: clinical testing. Allele origin: germline. Not counted in ClinVar's aggregate classification.

NM_000282.4(PCCA):c.1891G>A (p.Gly631Ser)

Gene: PCCA (propionyl-CoA carboxylase subunit alpha; plus strand). Cytogenetic location: 13q32.3.
Variant type: single nucleotide variant.
Coding change: c.1891G>A on transcript NM_000282.4 (MANE Select); coding-DNA position 1891, G replaced by A.
Protein change: p.Gly631Ser; replaces glycine 631 with serine.
Molecular consequence: missense variant. On other transcripts: non-coding transcript variant (5), intron variant (2).
Genome position (GRCh38, 1-based): chr13:100,449,297, G>A. VCF-style: chr13-100449297-G-A. GRCh37 (hg19) VCF-style: chr13-101101551-G-A.
Other names: c.1891G>A (NM_000282.3); c.1813G>A, p.Gly605Ser (NM_001127692.3, NM_001352607.2); c.1891G>A, p.Gly631Ser (NM_001178004.2, NM_001352609.2); c.1747G>A, p.Gly583Ser (NM_001352606.2); c.1669G>A, p.Gly557Ser (NM_001352608.2); c.946G>A, p.Gly316Ser (NM_001352610.2); c.802G>A, p.Gly268Ser (NM_001352612.2); c.1845+23566G>A (NM_001352605.2); and 1 more; short protein forms G268S, G316S, G557S, G583S, G605S, G631S.
Identifiers: ClinVar variation 989599 (VCV000989599.7), dbSNP rs796052018, ClinGen allele CA388696019.